The following is an entry in ClinVar:

ClinVar aggregate classification (germline): Likely benign (1 of 4 stars; one submission).

Allele frequency attached by ClinVar (database versions not stated): gnomAD 0.00001; gnomAD exomes 0.00001.
gnomAD v4.1: 14 of 1,007,476 alleles (0.0014%); highest among the groups gnomAD compares: African/African-American, 0.0018%; no homozygotes.

Submission:

CeGaT Center for Human Genetics Tuebingen
Classification: Likely benign. Last evaluated: 2024-05-01. Review status: criteria provided, single submitter. Criteria: CeGaT Center For Human Genetics Tuebingen Variant Classification Criteria Version 2. Collection method: clinical testing. Allele origin: germline. Affected: yes. Observed: 1 variant allele.
Comment: NR2F1: BP4, BP7

NM_005654.6(NR2F1):c.102C>T (p.Gly34=)

Genes: NR2F1 (nuclear receptor subfamily 2 group F member 1; plus strand), NR2F1-AS1 (NR2F1 regulatory antisense RNA 1; minus strand). Cytogenetic location: 5q15.
Variant type: single nucleotide variant.
Coding change: c.102C>T on transcript NM_005654.6 (MANE Select); coding-DNA position 102, C replaced by T.
Protein change: p.Gly34=; no amino-acid change (glycine 34 retained).
Molecular consequence: synonymous variant.
Genome position (GRCh38, 1-based): chr5:93,585,125, C>T. VCF-style: chr5-93585125-C-T. GRCh37 (hg19) VCF-style: chr5-92920831-C-T.
Identifiers: ClinVar variation 3239450 (VCV003239450.19), dbSNP rs1471924234.